The following is an entry in ClinVar:

ClinVar aggregate classification (germline): Conflicting classifications of pathogenicity. Review status: criteria provided, conflicting classifications (1 of 4 stars). 4 submissions from 4 submitters: Uncertain significance (2); Likely benign (1). 1 of the submissions does not count toward it. Last evaluated 2024-09-20.

Conditions:
Creatine deficiency syndrome 1.
Creatine transporter deficiency (CCDS1). Also called: Creatine Transporter (CRTR) Deficiency; Mental retardation , X-linked with seizures, short stature and midface hypoplasia; Mental retardation , X-linked, with creatine transport deficiency; X-linked creatine transporter deficiency; X-linked creatine deficiency syndrome; SLC6A8-Related Creatine Transporter Deficiency. Identifiers: Orphanet 52503, MedGen C1845862, MONDO:0010305, OMIM 300352.

Submissions (4):

3billion
Classification: Likely benign for Creatine transporter deficiency. Last evaluated: 2024-09-20. Review status: criteria provided, single submitter. Criteria: ACMG Guidelines, 2015. Collection method: clinical testing. Allele origin: germline. Affected: no.
Comment: The hemizygous variant was found in patients diagnosed with another variant in a different gene, with no symptoms related to the gene containing the hemizygous variant.

GeneDx
Classification: Uncertain significance. Last evaluated: 2023-05-05. Review status: criteria provided, single submitter. Criteria: GeneDx Variant Classification Process June 2021. Collection method: clinical testing. Allele origin: germline. Affected: yes.
Comment: Not observed at significant frequency in large population cohorts (gnomAD); In silico analysis supports that this missense variant does not alter protein structure/function; Has not been previously published as pathogenic or benign to our knowledge

Labcorp Genetics (formerly Invitae), Labcorp
Classification: Uncertain significance for Creatine transporter deficiency. Last evaluated: 2022-07-05. Review status: criteria provided, single submitter. Criteria: Invitae Variant Classification Sherloc (09022015). Collection method: clinical testing. Allele origin: germline.
Comment: This sequence change replaces valine, which is neutral and non-polar, with leucine, which is neutral and non-polar, at codon 622 of the SLC6A8 protein (p.Val622Leu). This variant is not present in population databases (gnomAD no frequency). This variant has not been reported in the literature in individuals affected with SLC6A8-related conditions. ClinVar contains an entry for this variant (Variation ID: 844455). Advanced modeling of protein sequence and biophysical properties (such as structural, functional, and spatial information, amino acid conservation, physicochemical variation, residue mobility, and thermodynamic stability) performed at Invitae indicates that this missense variant is not expected to disrupt SLC6A8 protein function. In summary, the available evidence is currently insufficient to determine the role of this variant in disease. Therefore, it has been classified as a Variant of Uncertain Significance.

Natera, Inc.
Classification: Uncertain significance for Creatine deficiency syndrome 1. Last evaluated: 2020-09-16. Review status: no assertion criteria provided. Collection method: clinical testing. Allele origin: germline. Not counted in ClinVar's aggregate classification.

NM_005629.4(SLC6A8):c.1864G>C (p.Val622Leu)

Gene: SLC6A8 (solute carrier family 6 member 8; plus strand). Cytogenetic location: Xq28.
Variant type: single nucleotide variant.
Coding change: c.1864G>C on transcript NM_005629.4 (MANE Select); coding-DNA position 1864, G replaced by C.
Protein change: p.Val622Leu; replaces valine 622 with leucine.
Molecular consequence: missense variant.
Genome position (GRCh38, 1-based): chrX:153,695,170, G>C. VCF-style: chrX-153695170-G-C. GRCh37 (hg19) VCF-style: chrX-152960625-G-C.
Other names: c.1834G>C, p.Val612Leu (NM_001142805.2); c.1519G>C, p.Val507Leu (NM_001142806.1); short protein forms V612L, V507L, V622L.
Identifiers: ClinVar variation 844455 (VCV000844455.9), dbSNP rs1160275875, ClinGen allele CA415091249.